The following is an entry in ClinVar:

NM_015378.4(VPS13D):c.10898G>A (p.Arg3633Lys)

Gene: VPS13D (vacuolar protein sorting 13 homolog D; plus strand). Cytogenetic location: 1p36.22.
Variant type: single nucleotide variant.
Coding change: c.10898G>A on transcript NM_015378.4 (MANE Select); coding-DNA position 10898, G replaced by A.
Protein change: p.Arg3633Lys; replaces arginine 3633 with lysine.
Molecular consequence: missense variant.
Genome position (GRCh38, 1-based): chr1:12,373,839, G>A. VCF-style: chr1-12373839-G-A. GRCh37 (hg19) VCF-style: chr1-12433894-G-A.
Other names: c.10823G>A, p.Arg3608Lys (NM_018156.4); short protein forms R3633K, R3608K.
Identifiers: ClinVar variation 2054218 (VCV002054218.1), dbSNP rs200207604, ClinGen allele CA18066996.

ClinVar aggregate classification (germline): Uncertain significance (1 of 4 stars; one submission).

Allele frequency attached by ClinVar (database versions not stated): 1000 Genomes Project 30x 0.00031.
gnomAD v4.1: 6 of 1,606,602 alleles (0.00037%); highest among the groups gnomAD compares: Admixed American, 0.0051%; no homozygotes.

Submission:

Labcorp Genetics (formerly Invitae), Labcorp
Classification: Uncertain significance. Last evaluated: 2022-06-27. Review status: criteria provided, single submitter. Criteria: Invitae Variant Classification Sherloc (09022015). Collection method: clinical testing. Allele origin: germline.
Comment: This sequence change replaces arginine, which is basic and polar, with lysine, which is basic and polar, at codon 3633 of the VPS13D protein (p.Arg3633Lys). This variant is present in population databases (no rsID available, gnomAD 0.009%). This variant has not been reported in the literature in individuals affected with VPS13D-related conditions. Algorithms developed to predict the effect of missense changes on protein structure and function are either unavailable or do not agree on the potential impact of this missense change (SIFT: "Tolerated"; PolyPhen-2: "Probably Damaging"; Align-GVGD: "Class C0"). In summary, the available evidence is currently insufficient to determine the role of this variant in disease. Therefore, it has been classified as a Variant of Uncertain Significance.